The following is an entry in ClinVar:

NM_001198.4(PRDM1):c.1557G>A (p.Ala519=)

Gene: PRDM1 (PR/SET domain 1; plus strand). Cytogenetic location: 6q21.
Variant type: single nucleotide variant.
Coding change: c.1557G>A on transcript NM_001198.4 (MANE Select); coding-DNA position 1557, G replaced by A.
Protein change: p.Ala519=; no amino-acid change (alanine 519 retained).
Molecular consequence: synonymous variant.
Genome position (GRCh38, 1-based): chr6:106,105,717, G>A. VCF-style: chr6-106105717-G-A. GRCh37 (hg19) VCF-style: chr6-106553592-G-A.
Other names: c.1155G>A, p.Ala385= (NM_182907.3).
Identifiers: ClinVar variation 3050600 (VCV003050600.2), dbSNP rs138916112, ClinGen allele CA3942356.
Genomic context (GRCh38, chr6:106,105,717, plus strand): 5'-CGGGGCCGCCGCCAGCATGAAGGACAAGGCCTGTAGCCCCACAAGCGGGTCTCCCACGGC[G>A]GGAACAGCCGCCACGGCAGAACATGTGGTGCAGCCCAAAGCTACCTCAGCAGCGATGGCA-3'
Protein context (NP_001189.2, residues 509-529): ACSPTSGSPT[Ala519=]GTAATAEHVV

ClinVar aggregate classification (germline): Likely benign (0 of 4 stars; one submission).

Conditions:
PRDM1-related disorder. Also called: PRDM1-related condition.

Allele frequency attached by ClinVar (database versions not stated): 1000 Genomes Project 0.00060; 1000 Genomes Project 30x 0.00062; gnomAD 0.00064; gnomAD exomes 0.00088; TOPMed 0.00089; ExAC 0.00092; ESP Exome Variant Server 0.00100.
gnomAD v4.1: 1,398 of 1,613,572 alleles (0.087%); highest among the groups gnomAD compares: Admixed American, 0.2%; 4 homozygotes.

Submission:

PreventionGenetics, part of Exact Sciences
Classification: Likely benign for PRDM1-related condition. Last evaluated: 2022-03-18. Review status: no assertion criteria provided. Collection method: clinical testing. Allele origin: germline.
Comment: This variant is classified as likely benign based on ACMG/AMP sequence variant interpretation guidelines (Richards et al. 2015 PMID: 25741868, with internal and published modifications).